The following is an entry in ClinVar:

ClinVar aggregate classification (germline): Pathogenic (1 of 4 stars; one submission).

Submission:

Labcorp Genetics (formerly Invitae), Labcorp
Classification: Pathogenic. Last evaluated: 2023-01-31. Review status: criteria provided, single submitter. Criteria: Invitae Variant Classification Sherloc (09022015). Collection method: clinical testing. Allele origin: germline.
Comment: This sequence change creates a premature translational stop signal (p.Phe391Serfs*15) in the PIGB gene. It is expected to result in an absent or disrupted protein product. Loss-of-function variants in PIGB are known to be pathogenic (PMID: 31256876, 34400385). This variant is not present in population databases (gnomAD no frequency). This variant has not been reported in the literature in individuals affected with PIGB-related conditions. For these reasons, this variant has been classified as Pathogenic.

Literature cited by the submitters: PubMed 31256876; PubMed 34400385.

NM_004855.5(PIGB):c.1172del (p.Phe391fs)

Gene: PIGB (phosphatidylinositol glycan anchor biosynthesis class B; plus strand). Cytogenetic location: 15q21.3.
Variant type: Deletion.
Coding change: c.1172del on transcript NM_004855.5 (MANE Select); coding-DNA position 1172, one base deleted (T; older notation c.1172delT).
Protein change: p.Phe391fs; shifts the reading frame from phenylalanine 391.
Molecular consequence: frameshift variant.
Genome position (GRCh38, 1-based): chr15:55,350,747, T deleted; the last of 3 consecutive T bases (chr15:55,350,745-55,350,747); deleting any one gives the same sequence. VCF-style (leftmost placement, unchanged base first): chr15-55350744-GT-G. GRCh37 (hg19) VCF-style: chr15-55642942-GT-G.
Other names: short protein forms F391fs.
Identifiers: ClinVar variation 2833250 (VCV002833250.3), dbSNP rs2543144178, ClinGen allele CA2739269493.
Genomic context (GRCh38, chr15:55,350,744, plus strand): 5'-TCTATCTTCATATAGGATACTCATTAACCCACCTGAAAACATGGAAGAAACCAGCTCTAA[GT>G]TTCCTGTTTTTATCAAATTTGTTCCTCGCCCTTTATACTGGTTTAGTTCATCAACGAGGT-3'